The following is an entry in ClinVar:

NM_001379200.1(TBX1):c.1004C>T (p.Ala335Val)

Gene: TBX1 (T-box transcription factor 1; plus strand). Cytogenetic location: 22q11.21.
Variant type: single nucleotide variant.
Coding change: c.1004C>T on transcript NM_001379200.1 (MANE Select); coding-DNA position 1004, C replaced by T.
Protein change: p.Ala335Val; replaces alanine 335 with valine.
Molecular consequence: missense variant.
Genome position (GRCh38, 1-based): chr22:19,765,970, C>T. VCF-style: chr22-19765970-C-T. GRCh37 (hg19) VCF-style: chr22-19753493-C-T.
Other names: c.977C>T, p.Ala326Val (NM_005992.1, NM_080646.2, NM_080647.1); short protein forms A335V, A326V.
Identifiers: ClinVar variation 1934268 (VCV001934268.6), dbSNP rs1936824289, ClinGen allele CA410683875.

ClinVar aggregate classification (germline): Conflicting classifications of pathogenicity. Review status: criteria provided, conflicting classifications (1 of 4 stars). 2 submissions from 2 submitters: Uncertain significance (1); Likely benign (1). Last evaluated 2024-09-20.

Conditions:
DiGeorge syndrome. Also called: THIRD AND FOURTH PHARYNGEAL POUCH SYNDROME; Catch22. Identifiers: Orphanet 567, MedGen C0012236, MONDO:0008564, OMIM 188400.
Velocardiofacial syndrome (VCFS). Also called: VCF SYNDROME; Shprintzen syndrome; SHPRINTZEN VCF SYNDROME. Identifiers: Orphanet 567, MedGen C0220704, MONDO:0008644, OMIM 192430. Disease mechanism: loss of function.
Conotruncal heart malformations (CTHM). Also called: Conotruncal heart malformations, variable. Identifiers: Orphanet 2445, Orphanet 3384, Orphanet 3426, MedGen C1857586, MONDO:0016581, OMIM 217095.
Tetralogy of Fallot (TOF). Identifiers: Orphanet 3303, MedGen C0039685, MONDO:0008542, OMIM 187500, HP:0001636.

Submissions (2):

3billion
Classification: Likely benign for Velocardiofacial syndrome; DiGeorge syndrome; Conotruncal heart malformations; Tetralogy of Fallot. Last evaluated: 2024-09-20. Review status: criteria provided, single submitter. Criteria: ACMG Guidelines, 2015. Collection method: clinical testing. Allele origin: germline. Affected: no.
Comment: The variant was identified in at least one patient who was diagnosed with a different variant in another gene and showed no symptoms related to the gene containing the variant in question.

Labcorp Genetics (formerly Invitae), Labcorp
Classification: Uncertain significance for DiGeorge syndrome. Last evaluated: 2024-02-24. Review status: criteria provided, single submitter. Criteria: Invitae Variant Classification Sherloc (09022015). Collection method: clinical testing. Allele origin: germline.
Comment: This sequence change replaces alanine, which is neutral and non-polar, with valine, which is neutral and non-polar, at codon 326 of the TBX1 protein (p.Ala326Val). This variant is not present in population databases (gnomAD no frequency). This variant has not been reported in the literature in individuals affected with TBX1-related conditions. ClinVar contains an entry for this variant (Variation ID: 1934268). Advanced modeling of protein sequence and biophysical properties (such as structural, functional, and spatial information, amino acid conservation, physicochemical variation, residue mobility, and thermodynamic stability) performed at Invitae indicates that this missense variant is not expected to disrupt TBX1 protein function with a negative predictive value of 80%. In summary, the available evidence is currently insufficient to determine the role of this variant in disease. Therefore, it has been classified as a Variant of Uncertain Significance.